The following is an entry in ClinVar:

ClinVar aggregate classification (germline): Uncertain significance (1 of 4 stars; one submission).

Conditions:
Inborn genetic diseases. Identifiers: MedGen C0950123, MeSH D030342.

Submission:

Ambry Genetics
Classification: Uncertain significance for Inborn genetic diseases. Last evaluated: 2023-07-10. Review status: criteria provided, single submitter. Criteria: Ambry Variant Classification Scheme 2023. Collection method: clinical testing. Allele origin: germline.
Comment: The p.V64G variant (also known as c.191T>G), located in coding exon 2 of the CAV1 gene, results from a T to G substitution at nucleotide position 191. The valine at codon 64 is replaced by glycine, an amino acid with dissimilar properties. This amino acid position is conserved. In addition, this alteration is predicted to be deleterious by in silico analysis. Since supporting evidence is limited at this time, the clinical significance of this alteration remains unclear.

NM_001753.5(CAV1):c.191T>G (p.Val64Gly)

Genes: CAV1 (caveolin 1; plus strand), LOC129999169 (ATAC-STARR-seq lymphoblastoid silent region 18558; plus strand). Cytogenetic location: 7q31.2.
Variant type: single nucleotide variant.
Coding change: c.191T>G on transcript NM_001753.5 (MANE Select); coding-DNA position 191, T replaced by G.
Protein change: p.Val64Gly; replaces valine 64 with glycine.
Molecular consequence: missense variant.
Genome position (GRCh38, 1-based): chr7:116,526,685, T>G. VCF-style: chr7-116526685-T-G. GRCh37 (hg19) VCF-style: chr7-116166739-T-G.
Other names: c.98T>G, p.Val33Gly (NM_001172895.1, NM_001172896.2, NM_001172897.2); short protein forms V64G, V33G.
Identifiers: ClinVar variation 2585858 (VCV002585858.2), dbSNP rs771262509, ClinGen allele CA369116932.
Genomic context (GRCh38, chr7:116,526,685, plus strand): 5'-CGCACACCAAGGAGATCGACCTGGTCAACCGCGACCCTAAACACCTCAACGATGACGTGG[T>G]CAAGGTAAGCCAAGGCGACCAACAGGGAAGGGCTGGGACAGCTCTCCTCTGGCAGTTAGC-3'
Protein context (NP_001744.2, residues 54-74): RDPKHLNDDV[Val64Gly]KIDFEDVIAE